The following is an entry in ClinVar:

NM_020320.5(RARS2):c.1650+4C>T

Gene: RARS2 (arginyl-tRNA synthetase 2, mitochondrial; minus strand). Cytogenetic location: 6q15.
Variant type: single nucleotide variant.
Coding change: c.1650+4C>T on transcript NM_020320.5 (MANE Select); 4 bases into the intron after coding-DNA position 1650, C replaced by T.
Molecular consequence: intron variant.
Genome position (GRCh38, 1-based): chr6:87,514,953, G>A on the plus strand (C>T on the coding strand, the complement: RARS2 is on the minus strand). VCF-style: chr6-87514953-G-A. GRCh37 (hg19) VCF-style: chr6-88224671-G-A.
Other names: c.1650+4C>T (NM_001350505.2); c.1125+4C>T (NM_001350509.2, NM_001318785.2, NM_001350506.2 and 4 more transcripts).
Identifiers: ClinVar variation 2154714 (VCV002154714.2), dbSNP rs758470935, ClinGen allele CA3916184.
Genomic context (GRCh38, chr6:87,514,953, plus strand): 5'-ACTGACTTAGTAATATTAGTCTCAGGAGCTAGGGATTATACAGAAAACATTCAACATAAC[G>A]TACCCCAGCCACTTCAGGAGGACTATCTTTTATTTGTAGTGTTTTGTGTGCCACAGCTGC-3'

ClinVar aggregate classification (germline): Uncertain significance. Review status: criteria provided, multiple submitters, no conflicts (2 of 4 stars). 2 submissions from 2 submitters: Uncertain significance (2). Last evaluated 2024-08-17.

Allele frequency attached by ClinVar (database versions not stated): TOPMed below 0.00001; gnomAD 0.00001; gnomAD exomes 0.00002; ExAC 0.00004.
gnomAD v4.1: 37 of 1,606,034 alleles (0.0023%); highest among the groups gnomAD compares: South Asian, 0.021%; 1 homozygote.

Submissions (2):

Women's Health and Genetics/Laboratory Corporation of America, LabCorp
Classification: Uncertain significance. Last evaluated: 2024-08-17. Review status: criteria provided, single submitter. Criteria: LabCorp Variant Classification Summary - May 2015. Collection method: clinical testing. Allele origin: germline.

Labcorp Genetics (formerly Invitae), Labcorp
Classification: Uncertain significance. Last evaluated: 2022-03-19. Review status: criteria provided, single submitter. Criteria: Invitae Variant Classification Sherloc (09022015). Collection method: clinical testing. Allele origin: germline.
Comment: This sequence change falls in intron 19 of the RARS2 gene. It does not directly change the encoded amino acid sequence of the RARS2 protein. It affects a nucleotide within the consensus splice site. This variant is present in population databases (rs758470935, gnomAD 0.02%), including at least one homozygous and/or hemizygous individual. This variant has not been reported in the literature in individuals affected with RARS2-related conditions. Variants that disrupt the consensus splice site are a relatively common cause of aberrant splicing (PMID: 17576681, 9536098). Algorithms developed to predict the effect of sequence changes on RNA splicing suggest that this variant is not likely to affect RNA splicing. In summary, the available evidence is currently insufficient to determine the role of this variant in disease. Therefore, it has been classified as a Variant of Uncertain Significance.

Literature cited by the submitters: PubMed 17576681 (cited by Labcorp Genetics (formerly Invitae), Labcorp); PubMed 9536098 (cited by Labcorp Genetics (formerly Invitae), Labcorp).